The following is an entry in ClinVar:

ClinVar aggregate classification (germline): Benign/Likely benign. Review status: criteria provided, multiple submitters, no conflicts (2 of 4 stars). 2 submissions from 2 submitters: Benign (1); Likely benign (1). Last evaluated 2024-05-13.

Conditions:
Ataxia-telangiectasia syndrome (AT). Also called: Ataxia-telangiectasia, complementation group D; Ataxia-telangiectasia, complementation group E; Cerebello-oculocutaneous telangiectasia; Immunodeficiency with ataxia telangiectasia; Ataxia telangiectasia (A-T); Ataxia-telangiectasia. Identifiers: Orphanet 100, MedGen C0004135, MONDO:0008840, OMIM 208900.
Familial cancer of breast. Also called: BREAST CANCER, FAMILIAL; Hereditary breast cancer; hereditary breast carcinoma. Identifiers: Orphanet 227535, MedGen C0346153, MONDO:0016419, OMIM 114480. Disease mechanism: loss of function.

Submissions (2):

Myriad Genetics, Inc.
Classification: Benign for Familial cancer of breast. Last evaluated: 2024-05-13. Review status: criteria provided, single submitter. Criteria: Myriad Autosomal Dominant, Autosomal Recessive and X-Linked Classification Criteria (2023). Collection method: clinical testing. Allele origin: unknown.
Comment: This variant is considered benign. This variant is a silent/synonymous amino acid change and it is not expected to impact splicing.

Labcorp Genetics (formerly Invitae), Labcorp
Classification: Likely benign for Ataxia-telangiectasia syndrome. Last evaluated: 2023-03-12. Review status: criteria provided, single submitter. Criteria: Invitae Variant Classification Sherloc (09022015). Collection method: clinical testing. Allele origin: germline.

NM_000051.4(ATM):c.3034A>C (p.Arg1012=)

Gene: ATM (ATM serine/threonine kinase; plus strand). Cytogenetic location: 11q22.3.
Variant type: single nucleotide variant.
Coding change: c.3034A>C on transcript NM_000051.4 (MANE Select); coding-DNA position 3034, A replaced by C.
Protein change: p.Arg1012=; no amino-acid change (arginine 1012 retained).
Molecular consequence: synonymous variant.
Genome position (GRCh38, 1-based): chr11:108,271,363, A>C. VCF-style: chr11-108271363-A-C. GRCh37 (hg19) VCF-style: chr11-108142090-A-C.
Other names: c.3034A>C, p.Arg1012= (NM_001351834.2).
Identifiers: ClinVar variation 1082953 (VCV001082953.10), dbSNP rs752615128, ClinGen allele CA476674406.